The following is an entry in ClinVar:

ClinVar aggregate classification (germline): Likely pathogenic (1 of 4 stars; one submission).

Conditions:
Charlevoix-Saguenay spastic ataxia (SACS). Also called: AUTOSOMAL RECESSIVE SPASTIC ATAXIA OF CHARLEVOIX-SAGUENAY; Spastic ataxia of Charlevoix-Saguenay; SPASTIC ATAXIA 6, AUTOSOMAL RECESSIVE. Identifiers: Orphanet 98, MedGen C1849140, MONDO:0010041, OMIM 270550.

Submission:

Natera, Inc.
Classification: Likely pathogenic for Charlevoix-Saguenay type spastic ataxia. Last evaluated: 2025-07-04. Review status: criteria provided, single submitter. Criteria: Natera Variant Classification Schema (03/2026). Collection method: clinical testing. Allele origin: germline.
Comment: The c.11491G>T variant in SACS is a nonsense variant predicted to introduce a stop codon at amino acid 3831. This variant is expected to result in nonsense mediated decay, truncation, or a dysfunctional protein product. This variant is rare in the general population with a frequency below the threshold expected for the associated phenotype(s). Given the available evidence, this variant is classified as Likely Pathogenic.

NM_014363.6(SACS):c.11491G>T (p.Glu3831Ter)

Gene: SACS (sacsin molecular chaperone; minus strand). Cytogenetic location: 13q12.12.
Variant type: single nucleotide variant.
Coding change: c.11491G>T on transcript NM_014363.6 (MANE Select); coding-DNA position 11491, G replaced by T.
Protein change: p.Glu3831Ter; replaces glutamic acid 3831 with a stop codon.
Molecular consequence: nonsense.
Genome position (GRCh38, 1-based): chr13:23,332,385, C>A on the plus strand (G>T on the coding strand, the complement: SACS is on the minus strand). VCF-style: chr13-23332385-C-A. GRCh37 (hg19) VCF-style: chr13-23906524-C-A.
Other names: c.11050G>T, p.Glu3684Ter (NM_001278055.2); c.11518G>T, p.Glu3840Ter (NM_001437336.1); short protein forms E3684*, E3831*, E3840*.
Identifiers: ClinVar variation 4815673 (VCV004815673.1).